The following is an entry in ClinVar:

NM_001330588.2(TPP2):c.338G>A (p.Gly113Asp)

Gene: TPP2 (tripeptidyl peptidase 2; plus strand). Cytogenetic location: 13q33.1.
Variant type: single nucleotide variant.
Coding change: c.338G>A on transcript NM_001330588.2 (MANE Select); coding-DNA position 338, G replaced by A.
Protein change: p.Gly113Asp; replaces glycine 113 with aspartic acid.
Molecular consequence: missense variant. On other transcripts: non-coding transcript variant (1).
Genome position (GRCh38, 1-based): chr13:102,614,144, G>A. VCF-style: chr13-102614144-G-A. GRCh37 (hg19) VCF-style: chr13-103266494-G-A.
Other names: c.338G>A (NM_003291.2); c.338G>A, p.Gly113Asp (NM_001367947.1, NM_003291.4); short protein forms G113D.
Identifiers: ClinVar variation 1460893 (VCV001460893.9), dbSNP rs2139437795, ClinGen allele CA388472285.

ClinVar aggregate classification (germline): Uncertain significance. Review status: criteria provided, multiple submitters, no conflicts (2 of 4 stars). 2 submissions from 2 submitters: Uncertain significance (2). Last evaluated 2022-04-14.

Conditions:
Evans syndrome, immunodeficiency, and premature immunosenescence associated with tripeptidyl-peptidase II deficiency. Identifiers: MedGen CN231723. Disease mechanism: loss of function.
Inborn genetic diseases. Identifiers: MedGen C0950123, MeSH D030342.

Submissions (2):

Ambry Genetics
Classification: Uncertain significance for Inborn genetic diseases. Last evaluated: 2022-04-14. Review status: criteria provided, single submitter. Criteria: Ambry Variant Classification Scheme 2023. Collection method: clinical testing. Allele origin: germline.

Labcorp Genetics (formerly Invitae), Labcorp
Classification: Uncertain significance for Evans syndrome, immunodeficiency, and premature immunosenescence associated with tripeptidyl-peptidase II deficiency. Last evaluated: 2021-01-04. Review status: criteria provided, single submitter. Criteria: Invitae Variant Classification Sherloc (09022015). Collection method: clinical testing. Allele origin: germline.
Comment: Algorithms developed to predict the effect of missense changes on protein structure and function are either unavailable or do not agree on the potential impact of this missense change (SIFT: "Deleterious"; PolyPhen-2: "Probably Damaging"; Align-GVGD: "Class C0"). In summary, the available evidence is currently insufficient to determine the role of this variant in disease. Therefore, it has been classified as a Variant of Uncertain Significance. This variant has not been reported in the literature in individuals with TPP2-related conditions. This variant is not present in population databases (ExAC no frequency). This sequence change replaces glycine with aspartic acid at codon 113 of the TPP2 protein (p.Gly113Asp). The glycine residue is highly conserved and there is a moderate physicochemical difference between glycine and aspartic acid.